The following is an entry in ClinVar:

ClinVar aggregate classification (germline): Uncertain significance (1 of 4 stars; one submission).

Conditions:
Early Myoclonic Encephalopathy. Identifiers: MedGen C0270855.

Allele frequency attached by ClinVar (database versions not stated): TOPMed 0.00001; gnomAD exomes 0.00002; ExAC 0.00001.
gnomAD v4.1: 25 of 1,614,198 alleles (0.0015%); highest among the groups gnomAD compares: Middle Eastern, 0.016%; no homozygotes.

Submission:

Labcorp Genetics (formerly Invitae), Labcorp
Classification: Uncertain significance for Early Myoclonic Encephalopathy. Last evaluated: 2023-12-09. Review status: criteria provided, single submitter. Criteria: Invitae Variant Classification Sherloc (09022015). Collection method: clinical testing. Allele origin: germline.
Comment: This sequence change replaces serine, which is neutral and polar, with asparagine, which is neutral and polar, at codon 685 of the JMJD1C protein (p.Ser685Asn). This variant is present in population databases (rs747991541, gnomAD 0.01%). This variant has not been reported in the literature in individuals affected with JMJD1C-related conditions. ClinVar contains an entry for this variant (Variation ID: 971741). Advanced modeling of protein sequence and biophysical properties (such as structural, functional, and spatial information, amino acid conservation, physicochemical variation, residue mobility, and thermodynamic stability) has been performed at Invitae for this missense variant, however the output from this modeling did not meet the statistical confidence thresholds required to predict the impact of this variant on JMJD1C protein function. In summary, the available evidence is currently insufficient to determine the role of this variant in disease. Therefore, it has been classified as a Variant of Uncertain Significance.

NM_032776.3(JMJD1C):c.2054G>A (p.Ser685Asn)

Gene: JMJD1C (jumonji domain containing 1C; minus strand). Cytogenetic location: 10q21.3.
Variant type: single nucleotide variant.
Coding change: c.2054G>A on transcript NM_032776.3 (MANE Select); coding-DNA position 2054, G replaced by A.
Protein change: p.Ser685Asn; replaces serine 685 with asparagine.
Molecular consequence: missense variant. On other transcripts: non-coding transcript variant (1).
Genome position (GRCh38, 1-based): chr10:63,214,113, C>T on the plus strand (G>A on the coding strand, the complement: JMJD1C is on the minus strand). VCF-style: chr10-63214113-C-T. GRCh37 (hg19) VCF-style: chr10-64973873-C-T.
Other names: c.1508G>A, p.Ser503Asn (NM_001282948.2, NM_001318154.2); c.1190G>A, p.Ser397Asn (NM_001318153.2); c.1940G>A, p.Ser647Asn (NM_001322252.2); c.1397G>A, p.Ser466Asn (NM_001322254.2, NM_001322258.2); short protein forms S647N, S397N, S466N, S503N, S685N.
Identifiers: ClinVar variation 971741 (VCV000971741.9), dbSNP rs747991541, ClinGen allele CA5518694.